The following is an entry in ClinVar:

ClinVar aggregate classification (germline): Uncertain significance (1 of 4 stars; one submission).

Conditions:
Arrhythmogenic right ventricular dysplasia 8 (ARVD8). Also called: Arrhythmogenic Right Ventricular Dysplasia/Cardiomyopathy 8; ARRHYTHMOGENIC RIGHT VENTRICULAR DYSPLASIA, FAMILIAL, 8; ARRHYTHMOGENIC RIGHT VENTRICULAR CARDIOMYOPATHY 8. Identifiers: MedGen C1843896, MONDO:0011831, OMIM 607450.
Arrhythmogenic cardiomyopathy with wooly hair and keratoderma. Also called: PALMOPLANTAR KERATODERMA WITH LEFT VENTRICULAR CARDIOMYOPATHY AND WOOLLY HAIR; Carvajal syndrome; Dilated cardiomyopathy with woolly hair and keratoderma; Arrhythmogenic cardiomyopathy with woolly hair and keratoderma. Identifiers: Orphanet 65282, MedGen C1854063, MONDO:0011581, OMIM 605676.

gnomAD v4.1: 1 of 1,613,992 alleles (0.000062%); highest among the groups gnomAD compares: East Asian, 0.0022%; no homozygotes.

Submission:

Labcorp Genetics (formerly Invitae), Labcorp
Classification: Uncertain significance for Arrhythmogenic cardiomyopathy with wooly hair and keratoderma; Arrhythmogenic right ventricular dysplasia 8. Last evaluated: 2025-01-08. Review status: criteria provided, single submitter. Criteria: Invitae Variant Classification Sherloc (09022015). Collection method: clinical testing. Allele origin: germline.
Comment: This sequence change replaces cysteine, which is neutral and slightly polar, with serine, which is neutral and polar, at codon 1100 of the DSP protein (p.Cys1100Ser). This variant is not present in population databases (gnomAD no frequency). This variant has not been reported in the literature in individuals affected with DSP-related conditions. An algorithm developed to predict the effect of missense changes on protein structure and function (PolyPhen-2) suggests that this variant is likely to be disruptive. In summary, the available evidence is currently insufficient to determine the role of this variant in disease. Therefore, it has been classified as a Variant of Uncertain Significance.

NM_004415.4(DSP):c.3299G>C (p.Cys1100Ser)

Gene: DSP (desmoplakin; plus strand). Cytogenetic location: 6p24.3.
Variant type: single nucleotide variant.
Coding change: c.3299G>C on transcript NM_004415.4 (MANE Select); coding-DNA position 3299, G replaced by C.
Protein change: p.Cys1100Ser; replaces cysteine 1100 with serine.
Molecular consequence: missense variant.
Genome position (GRCh38, 1-based): chr6:7,579,489, G>C. VCF-style: chr6-7579489-G-C. GRCh37 (hg19) VCF-style: chr6-7579722-G-C.
Other names: c.3299G>C, p.Cys1100Ser (NM_001008844.3, NM_001319034.2); short protein forms C1100S.
Identifiers: ClinVar variation 3751385 (VCV003751385.2).
Genomic context (GRCh38, chr6:7,579,489, plus strand): 5'-AGGAGCTGAAGAGACAGGCTGAGCTGGATGGGAAGTCGGCTAAGCAAAATCTAGACAAGT[G>C]CTACGGCCAAATAAAAGAACTCAATGAGAAGATCACCCGACTGACTTATGAGATTGAAGA-3'
Protein context (NP_004406.2, residues 1090-1110): GKSAKQNLDK[Cys1100Ser]YGQIKELNEK